The following is an entry in ClinVar:

NM_052844.4(DYNC2I2):c.1008C>T (p.Gly336=)

Genes: DYNC2I2 (dynein 2 intermediate chain 2; minus strand), LOC126860772 (CDK7 strongly-dependent group 2 enhancer GRCh37_chr9:131396972-131398171; plus strand). Cytogenetic location: 9q34.11.
Variant type: single nucleotide variant.
Coding change: c.1008C>T on transcript NM_052844.4 (MANE Select); coding-DNA position 1008, C replaced by T.
Protein change: p.Gly336=; no amino-acid change (glycine 336 retained).
Molecular consequence: synonymous variant.
Genome position (GRCh38, 1-based): chr9:128,634,895, G>A on the plus strand (C>T on the coding strand, the complement: DYNC2I2 is on the minus strand). VCF-style: chr9-128634895-G-A. GRCh37 (hg19) VCF-style: chr9-131397174-G-A.
Identifiers: ClinVar variation 474843 (VCV000474843.14), dbSNP rs146077746, ClinGen allele CA5266365.

ClinVar aggregate classification (germline): Conflicting classifications of pathogenicity. Review status: criteria provided, conflicting classifications (1 of 4 stars). 3 submissions from 3 submitters: Uncertain significance (1); Benign (1); Likely benign (1). Last evaluated 2026-01-30.

Conditions:
Short-rib thoracic dysplasia 11 with or without polydactyly (SRTD11). Also called: SHORT-RIB THORACIC DYSPLASIA 11 WITHOUT POLYDACTYLY. Identifiers: Orphanet 474, Orphanet 93271, MedGen C3810200, MONDO:0014287, OMIM 615633.

Allele frequency attached by ClinVar (database versions not stated): gnomAD 0.00114 and 0.00117; ExAC 0.00126; gnomAD exomes 0.00133 and 0.00135; 1000 Genomes Project 30x 0.00062; ESP Exome Variant Server 0.00062; TOPMed 0.00074; 1000 Genomes Project 0.00080.
gnomAD v4.1: 2,077 of 1,612,834 alleles (0.13%); highest among the groups gnomAD compares: Non-Finnish European, 0.14%; 3 homozygotes.

Submissions (3):

Labcorp Genetics (formerly Invitae), Labcorp
Classification: Benign for Short-rib thoracic dysplasia 11 with or without polydactyly. Last evaluated: 2026-01-30. Review status: criteria provided, single submitter. Criteria: Invitae Variant Classification Sherloc (09022015). Collection method: clinical testing. Allele origin: germline.

GeneDx
Classification: Uncertain significance. Last evaluated: 2025-06-12. Review status: criteria provided, single submitter. Criteria: GeneDx Variant Classification Process June 2021. Collection method: clinical testing. Allele origin: germline. Affected: yes.
Comment: Has not been previously published as pathogenic or benign to our knowledge; In silico analysis suggests this variant may impact gene splicing. In the absence of RNA/functional studies, the actual effect of this sequence change is unknown.

Blueprint Genetics
Classification: Likely benign. Last evaluated: 2024-11-21. Review status: criteria provided, single submitter. Criteria: ACMG Guidelines, 2015. Collection method: clinical testing. Allele origin: germline.